The following is an entry in ClinVar:

NC_000014.9:g.73133653A>G

Gene: PSEN1 (presenilin 1; plus strand). Cytogenetic location: 14q24.2.
Variant type: single nucleotide variant.
Genome position: GRCh38 VCF-style: chr14-73133653-A-G. GRCh37 (hg19) VCF-style: chr14-73600361-A-G.
Identifiers: ClinVar variation 1701234 (VCV001701234.32), dbSNP rs562520783, ClinGen allele CA262596685.

ClinVar aggregate classification (germline): Likely benign. Review status: criteria provided, multiple submitters, no conflicts (2 of 4 stars). 2 submissions from 2 submitters: Likely benign (2). Last evaluated 2024-05-01.

Allele frequency attached by ClinVar (database versions not stated): 1000 Genomes Project 0.00020; 1000 Genomes Project 30x 0.00031; TOPMed 0.00076; gnomAD 0.00093 and 0.00096.

Submissions (2):

CeGaT Center for Human Genetics Tuebingen
Classification: Likely benign. Last evaluated: 2024-05-01. Review status: criteria provided, single submitter. Criteria: CeGaT Center For Human Genetics Tuebingen Variant Classification Criteria Version 2. Collection method: clinical testing. Allele origin: germline. Affected: yes. Observed: 2 variant alleles.
Comment: PSEN1: BS1

Blueprint Genetics
Classification: Likely benign. Last evaluated: 2022-12-15. Review status: criteria provided, single submitter. Criteria: ACMG Guidelines, 2015. Collection method: clinical testing. Allele origin: germline.